The following is an entry in ClinVar:

ClinVar aggregate classification (germline): Uncertain significance (1 of 4 stars; one submission).

Conditions:
SEMA3C-related disorder. Also called: SEMA3C-related condition.

Submission:

PreventionGenetics, part of Exact Sciences
Classification: Uncertain significance for SEMA3C-related condition. Last evaluated: 2024-11-27. Review status: criteria provided, single submitter. Criteria: ACMG Guidelines, 2015. Collection method: clinical testing. Allele origin: germline.
Comment: The SEMA3C c.1607G>A variant is predicted to result in the amino acid substitution p.Gly536Asp. To our knowledge, this variant has not been reported in the literature. This variant is reported in 0.0080% of alleles in individuals of African descent in gnomAD. At this time, the clinical significance of this variant is uncertain due to the absence of conclusive functional and genetic evidence.

NM_006379.5(SEMA3C):c.1553G>A (p.Gly518Asp)

Gene: SEMA3C (semaphorin 3C; minus strand). Cytogenetic location: 7q21.11.
Variant type: single nucleotide variant.
Coding change: c.1553G>A on transcript NM_006379.5 (MANE Select); coding-DNA position 1553, G replaced by A.
Protein change: p.Gly518Asp; replaces glycine 518 with aspartic acid.
Molecular consequence: missense variant.
Genome position (GRCh38, 1-based): chr7:80,758,421, C>T on the plus strand (G>A on the coding strand, the complement: SEMA3C is on the minus strand). VCF-style: chr7-80758421-C-T. GRCh37 (hg19) VCF-style: chr7-80387737-C-T.
Other names: c.1607G>A, p.Gly536Asp (NM_001350120.2); c.1379G>A, p.Gly460Asp (NM_001350121.2); short protein forms G536D, G460D, G518D.
Identifiers: ClinVar variation 4989106 (VCV004989106.1).